The following is an entry in ClinVar:

ClinVar aggregate classification (germline): Uncertain significance (1 of 4 stars; one submission).

Allele frequency attached by ClinVar (database versions not stated): gnomAD exomes below 0.00001.
gnomAD v4.1: 15 of 1,614,162 alleles (0.00093%); highest among the groups gnomAD compares: African/African-American, 0.0053%; no homozygotes.

Submission:

Labcorp Genetics (formerly Invitae), Labcorp
Classification: Uncertain significance. Last evaluated: 2024-11-14. Review status: criteria provided, single submitter. Criteria: Invitae Variant Classification Sherloc (09022015). Collection method: clinical testing. Allele origin: germline.
Comment: This sequence change replaces asparagine, which is neutral and polar, with tyrosine, which is neutral and polar, at codon 285 of the SIAE protein (p.Asn285Tyr). This variant is not present in population databases (gnomAD no frequency). This variant has not been reported in the literature in individuals affected with SIAE-related conditions. ClinVar contains an entry for this variant (Variation ID: 1956487). An algorithm developed to predict the effect of missense changes on protein structure and function (PolyPhen-2) suggests that this variant is likely to be disruptive. In summary, the available evidence is currently insufficient to determine the role of this variant in disease. Therefore, it has been classified as a Variant of Uncertain Significance.

NM_170601.5(SIAE):c.853A>T (p.Asn285Tyr)

Gene: SIAE (sialic acid acetylesterase; minus strand). Cytogenetic location: 11q24.2.
Variant type: single nucleotide variant.
Coding change: c.853A>T on transcript NM_170601.5 (MANE Select); coding-DNA position 853, A replaced by T.
Protein change: p.Asn285Tyr; replaces asparagine 285 with tyrosine.
Molecular consequence: missense variant.
Genome position (GRCh38, 1-based): chr11:124,647,478, T>A on the plus strand (A>T on the coding strand, the complement: SIAE is on the minus strand). VCF-style: chr11-124647478-T-A. GRCh37 (hg19) VCF-style: chr11-124517374-T-A.
Other names: c.748A>T, p.Asn250Tyr (NM_001199922.2); short protein forms N250Y, N285Y.
Identifiers: ClinVar variation 1956487 (VCV001956487.5), dbSNP rs530968439, ClinGen allele CA230390354.